The following is an entry in ClinVar:

ClinVar aggregate classification (germline): Uncertain significance (1 of 4 stars; one submission).

Allele frequency attached by ClinVar (database versions not stated): gnomAD 0.00001.
gnomAD v4.1: 85 of 1,607,042 alleles (0.0053%); highest among the groups gnomAD compares: South Asian, 0.086%; no homozygotes.

Submission:

Labcorp Genetics (formerly Invitae), Labcorp
Classification: Uncertain significance. Last evaluated: 2022-07-25. Review status: criteria provided, single submitter. Criteria: Invitae Variant Classification Sherloc (09022015). Collection method: clinical testing. Allele origin: germline.
Comment: This sequence change replaces glutamic acid, which is acidic and polar, with aspartic acid, which is acidic and polar, at codon 16 of the SNAP29 protein (p.Glu16Asp). This variant is present in population databases (rs761925474, gnomAD 0.1%). This variant has not been reported in the literature in individuals affected with SNAP29-related conditions. ClinVar contains an entry for this variant (Variation ID: 1359280). Algorithms developed to predict the effect of missense changes on protein structure and function output the following: SIFT: "Tolerated"; PolyPhen-2: "Benign"; Align-GVGD: "Class C0". The aspartic acid amino acid residue is found in multiple mammalian species, which suggests that this missense change does not adversely affect protein function. In summary, the available evidence is currently insufficient to determine the role of this variant in disease. Therefore, it has been classified as a Variant of Uncertain Significance.

NM_004782.4(SNAP29):c.48G>T (p.Glu16Asp)

Gene: SNAP29 (synaptosome associated protein 29; plus strand). Cytogenetic location: 22q11.21.
Variant type: single nucleotide variant.
Coding change: c.48G>T on transcript NM_004782.4 (MANE Select); coding-DNA position 48, G replaced by T.
Protein change: p.Glu16Asp; replaces glutamic acid 16 with aspartic acid.
Molecular consequence: missense variant.
Genome position (GRCh38, 1-based): chr22:20,859,158, G>T. VCF-style: chr22-20859158-G-T. GRCh37 (hg19) VCF-style: chr22-21213446-G-T.
Other names: short protein forms E16D.
Identifiers: ClinVar variation 1359280 (VCV001359280.5), dbSNP rs761925474, ClinGen allele CA10116989.
Genomic context (GRCh38, chr22:20,859,158, plus strand): 5'-CCGCGCCGGCACCATGTCAGCTTACCCTAAAAGCTACAATCCGTTCGACGACGACGGGGA[G>T]GACGAAGGCGCCCGGCCGGCCCCTTGGAGGGACGCCCGAGACCTCCCCGACGGGCCCGAC-3'
Protein context (NP_004773.1, residues 6-26): KSYNPFDDDG[Glu16Asp]DEGARPAPWR